The following is an entry in ClinVar:

NM_006393.3(NEBL):c.1234T>A (p.Tyr412Asn)

Gene: NEBL (nebulette; minus strand). Cytogenetic location: 10p12.31.
Variant type: single nucleotide variant.
Coding change: c.1234T>A on transcript NM_006393.3 (MANE Select); coding-DNA position 1234, T replaced by A.
Protein change: p.Tyr412Asn; replaces tyrosine 412 with asparagine.
Molecular consequence: missense variant. On other transcripts: intron variant (9).
Genome position (GRCh38, 1-based): chr10:20,840,843, A>T on the plus strand (T>A on the coding strand, the complement: NEBL is on the minus strand). VCF-style: chr10-20840843-A-T. GRCh37 (hg19) VCF-style: chr10-21129772-A-T.
Other names: c.250-27903T>A (NM_001377326.1, NM_001377327.1, NM_001377328.1); c.358-27903T>A (NM_213569.2, NM_001173484.2, NM_001377322.1); c.301-27903T>A (NM_001377324.1); c.292-27903T>A (NM_001377325.1); c.310-27903T>A (NM_001377323.1); short protein forms Y412N.
Identifiers: ClinVar variation 2272821 (VCV002272821.3), dbSNP rs1349601521, ClinGen allele CA376099359.
Genomic context (GRCh38, chr10:20,840,843, plus strand): 5'-GAACTTCTGAATTAAGTTCCATTCCTTTCCCTTTTATCTCATTTTCCAAATCTTTTTTAT[A>T]TTCTTTCTATGAGACAAGAATATCACAGTTCAAAACTTAGCAGGAATCACTTTATTCAGT-3'
Protein context (NP_006384.1, residues 402-422): YITNLLREKE[Tyr412Asn]KKDLENEIKG

ClinVar aggregate classification (germline): Uncertain significance (1 of 4 stars; one submission).

Allele frequency attached by ClinVar (database versions not stated): TOPMed below 0.00001; gnomAD 0.00001.
gnomAD v4.1: 1 of 1,546,830 alleles (0.000065%); highest among the groups gnomAD compares: African/African-American, 0.0014%; no homozygotes.

Submission:

Ambry Genetics
Classification: Uncertain significance. Last evaluated: 2024-12-20. Review status: criteria provided, single submitter. Criteria: Ambry Variant Classification Scheme 2023. Collection method: clinical testing. Allele origin: germline.
Comment: The p.Y412N variant (also known as c.1234T>A), located in coding exon 13 of the NEBL gene, results from a T to A substitution at nucleotide position 1234. The tyrosine at codon 412 is replaced by asparagine, an amino acid with dissimilar properties. This amino acid position is conserved. In addition, the in silico prediction for this alteration is inconclusive. Based on the available evidence, the clinical significance of this variant remains unclear.